The following is an entry in ClinVar:

ClinVar aggregate classification (germline): Conflicting classifications of pathogenicity. Review status: criteria provided, conflicting classifications (1 of 4 stars). 4 submissions from 4 submitters: Uncertain significance (2); Likely benign (2). Last evaluated 2025-12-05.

Conditions:
Parathyroid carcinoma (PRTC). Also called: CDC73-Related Parathyroid Carcinoma; Parathyroid gland carcinoma. Identifiers: Orphanet 143, MedGen C0687150, MONDO:0012004, OMIM 608266, HP:0006780.
Hyperparathyroidism 1 (HRPT1). Also called: HYPERPARATHYROIDISM, FAMILIAL ISOLATED PRIMARY. Identifiers: Orphanet 99879, MedGen C1840402, MONDO:0007767, OMIM 145000.
Hyperparathyroidism 2 with jaw tumors. Also called: Hyperparathyroidism 2; HYPERPARATHYROIDISM, FAMILIAL PRIMARY, WITH MULTIPLE OSSIFYING JAW FIBROMAS; HYPERPARATHYROIDISM-JAW TUMOR SYNDROME, HEREDITARY; Hyperparathyroidism-Jaw Tumor Syndrome. Identifiers: Orphanet 99880, MedGen C1704981, MONDO:0007768, OMIM 145001.
Hereditary cancer-predisposing syndrome. Also called: Hereditary Cancer Syndrome; Tumor predisposition; Neoplastic Syndromes, Hereditary; Hereditary neoplastic syndrome. Identifiers: Orphanet 140162, MedGen C0027672, MeSH D009386, MONDO:0015356.

Allele frequency attached by ClinVar (database versions not stated): gnomAD 0.00001; gnomAD exomes 0.00001 and 0.00002; TOPMed 0.00001; ExAC 0.00002.
gnomAD v4.1: 12 of 1,611,960 alleles (0.00074%); highest among the groups gnomAD compares: Non-Finnish European, 0.00093%; no homozygotes.

Submissions (4):

Labcorp Genetics (formerly Invitae), Labcorp
Classification: Likely benign for Parathyroid carcinoma. Last evaluated: 2025-12-05. Review status: criteria provided, single submitter. Criteria: Invitae Variant Classification Sherloc (09022015). Collection method: clinical testing. Allele origin: germline.

GeneDx
Classification: Uncertain significance. Last evaluated: 2023-01-23. Review status: criteria provided, single submitter. Criteria: GeneDx Variant Classification Process June 2021. Collection method: clinical testing. Allele origin: germline. Affected: yes.
Comment: Not observed at significant frequency in large population cohorts (gnomAD); Has not been previously published as pathogenic or benign to our knowledge; In silico analysis suggests this variant may impact gene splicing. In the absence of RNA/functional studies, the actual effect of this sequence change is unknown.

Ambry Genetics
Classification: Likely benign for Hereditary cancer-predisposing syndrome. Last evaluated: 2022-06-27. Review status: criteria provided, single submitter. Criteria: Ambry Variant Classification Scheme 2023. Collection method: clinical testing. Allele origin: germline.

Fulgent Genetics
Classification: Uncertain significance for Hyperparathyroidism 1; Hyperparathyroidism 2 with jaw tumors; Parathyroid carcinoma. Last evaluated: 2021-11-02. Review status: criteria provided, single submitter. Criteria: ACMG Guidelines, 2015. Collection method: clinical testing. Allele origin: unknown.

NM_024529.5(CDC73):c.1248C>T (p.Gly416=)

Gene: CDC73 (cell division cycle 73; plus strand). Cytogenetic location: 1q31.2.
Variant type: single nucleotide variant.
Coding change: c.1248C>T on transcript NM_024529.5 (MANE Select); coding-DNA position 1248, C replaced by T.
Protein change: p.Gly416=; no amino-acid change (glycine 416 retained).
Molecular consequence: synonymous variant.
Genome position (GRCh38, 1-based): chr1:193,233,086, C>T. VCF-style: chr1-193233086-C-T. GRCh37 (hg19) VCF-style: chr1-193202216-C-T.
Identifiers: ClinVar variation 651407 (VCV000651407.13), dbSNP rs780906083, ClinGen allele CA1303806.